The following is an entry in ClinVar:

NM_021815.5(SLC5A7):c.1444C>T (p.Leu482Phe)

Gene: SLC5A7 (solute carrier family 5 member 7; plus strand). Cytogenetic location: 2q12.3.
Variant type: single nucleotide variant.
Coding change: c.1444C>T on transcript NM_021815.5 (MANE Select); coding-DNA position 1444, C replaced by T.
Protein change: p.Leu482Phe; replaces leucine 482 with phenylalanine.
Molecular consequence: missense variant.
Genome position (GRCh38, 1-based): chr2:108,010,562, C>T. VCF-style: chr2-108010562-C-T. GRCh37 (hg19) VCF-style: chr2-108627018-C-T.
Other names: c.1444C>T, p.Leu482Phe (NM_001305005.3); c.1129C>T, p.Leu377Phe (NM_001305006.3); c.703C>T, p.Leu235Phe (NM_001305007.3); short protein forms L235F, L482F, L377F.
Identifiers: ClinVar variation 968517 (VCV000968517.10), dbSNP rs370223910, ClinGen allele CA1819178.

ClinVar aggregate classification (germline): Uncertain significance. Review status: criteria provided, multiple submitters, no conflicts (2 of 4 stars). 4 submissions from 4 submitters: Uncertain significance (4). Last evaluated 2025-11-25.

Conditions:
Neuronopathy, distal hereditary motor, type 7A. Also called: Neuronopathy, distal hereditary motor, type viia; Neuronopathy, distal hereditary motor, autosomal dominant 7; HARPER-YOUNG MYOPATHY; HMN VIIA; NEURONOPATHY, DISTAL HEREDITARY MOTOR, HARDING TYPE VIIA; NEUROPATHY, DISTAL HEREDITARY MOTOR, HARDING TYPE VIIA. Identifiers: Orphanet 139589, MedGen C1834703, MONDO:0008024, OMIM 158580.
Congenital myasthenic syndrome 20. Also called: Myasthenic syndrome, congenital, 20, presynaptic. Identifiers: MedGen C4310694, MONDO:0014939, OMIM 617143.

Allele frequency attached by ClinVar (database versions not stated): gnomAD exomes below 0.00001; ExAC 0.00001; gnomAD 0.00001; TOPMed 0.00001; ESP Exome Variant Server 0.00008.

Submissions (4):

Women's Health and Genetics/Laboratory Corporation of America, LabCorp
Classification: Uncertain significance. Last evaluated: 2025-11-25. Review status: criteria provided, single submitter. Criteria: LabCorp Variant Classification Summary - May 2015. Collection method: clinical testing. Allele origin: germline.
Comment: Variant summary: SLC5A7 c.1444C>T (p.Leu482Phe) results in a non-conservative amino acid change in the encoded protein sequence. Algorithms developed to predict the effect of missense changes on protein structure and function are either unavailable or do not agree on the potential impact of this missense change. The variant allele was found at a frequency of 4e-06 in 250822 control chromosomes. The available data on variant occurrences in the general population are insufficient to allow any conclusion about variant significance. To our knowledge, no occurrence of c.1444C>T in individuals affected with SLC5A7-related conditions and no experimental evidence demonstrating its impact on protein function have been reported. ClinVar contains an entry for this variant (Variation ID: 968517). Based on the evidence outlined above, the variant was classified as uncertain significance.

Labcorp Genetics (formerly Invitae), Labcorp
Classification: Uncertain significance for Neuronopathy, distal hereditary motor, type 7A; Congenital myasthenic syndrome 20. Last evaluated: 2025-05-19. Review status: criteria provided, single submitter. Criteria: Invitae Variant Classification Sherloc (09022015). Collection method: clinical testing. Allele origin: germline.
Comment: This sequence change replaces leucine, which is neutral and non-polar, with phenylalanine, which is neutral and non-polar, at codon 482 of the SLC5A7 protein (p.Leu482Phe). This variant is present in population databases (rs370223910, gnomAD no frequency). This variant has not been reported in the literature in individuals affected with SLC5A7-related conditions. ClinVar contains an entry for this variant (Variation ID: 968517). Invitae Evidence Modeling of protein sequence and biophysical properties (such as structural, functional, and spatial information, amino acid conservation, physicochemical variation, residue mobility, and thermodynamic stability) indicates that this missense variant is not expected to disrupt SLC5A7 protein function with a negative predictive value of 80%. In summary, the available evidence is currently insufficient to determine the role of this variant in disease. Therefore, it has been classified as a Variant of Uncertain Significance.

Blueprint Genetics
Classification: Uncertain significance. Last evaluated: 2024-03-04. Review status: criteria provided, single submitter. Criteria: ACMG Guidelines, 2015. Collection method: clinical testing. Allele origin: germline.

Revvity Omics, Revvity
Classification: Uncertain significance. Last evaluated: 2023-12-05. Review status: criteria provided, single submitter. Criteria: ACMG Guidelines, 2015. Collection method: clinical testing. Allele origin: germline.